The following is an entry in ClinVar:

ClinVar aggregate classification (germline): Uncertain significance (1 of 4 stars; one submission).

gnomAD v4.1: 8 of 1,614,154 alleles (0.0005%); highest among the groups gnomAD compares: Admixed American, 0.0017%; no homozygotes.

Submission:

Labcorp Genetics (formerly Invitae), Labcorp
Classification: Uncertain significance. Last evaluated: 2024-01-12. Review status: criteria provided, single submitter. Criteria: Invitae Variant Classification Sherloc (09022015). Collection method: clinical testing. Allele origin: germline.
Comment: This sequence change replaces alanine, which is neutral and non-polar, with proline, which is neutral and non-polar, at codon 150 of the TMED7 protein (p.Ala150Pro). This variant is present in population databases (no rsID available, gnomAD 0.003%). This variant has not been reported in the literature in individuals affected with TMED7-related conditions. An algorithm developed to predict the effect of missense changes on protein structure and function (PolyPhen-2) suggests that this variant is likely to be disruptive. In summary, the available evidence is currently insufficient to determine the role of this variant in disease. Therefore, it has been classified as a Variant of Uncertain Significance.

NM_181836.6(TMED7):c.448G>C (p.Ala150Pro)

Genes: TICAM2-AS1 (TICAM2 antisense RNA 1; plus strand), TMED7 (transmembrane p24 trafficking protein 7; minus strand), TMED7-TICAM2 (TMED7-TICAM2 readthrough; minus strand). Cytogenetic location: 5q22.3.
Variant type: single nucleotide variant.
Coding change: c.448G>C on transcript NM_181836.6 (MANE Select); coding-DNA position 448, G replaced by C.
Protein change: p.Ala150Pro; replaces alanine 150 with proline.
Molecular consequence: missense variant.
Genome position (GRCh38, 1-based): chr5:115,616,436, C>G on the plus strand (G>C on the coding strand, the complement: TMED7 is on the minus strand). VCF-style: chr5-115616436-C-G. GRCh37 (hg19) VCF-style: chr5-114952133-C-G.
Other names: c.448G>C, p.Ala150Pro (NM_001164468.4, NM_001164469.4); short protein forms A150P.
Identifiers: ClinVar variation 2885015 (VCV002885015.3), dbSNP rs994815741, ClinGen allele CA125799568.
Genomic context (GRCh38, chr5:115,616,436, plus strand): 5'-AACGGAAATGAGTCTGATAATCGATGACAGACTTCAGAGCTTCGTGAATTGAAACACAGG[C>G]AGATTCCATCTGCAGAGAAATATTTTCAGTCAGTATGTGTGATACTTTCTGTAGACTTCA-3'
Protein context (NP_861974.1, residues 140-160): RVSALTQMES[Ala150Pro]CVSIHEALKS